The following is an entry in ClinVar:

ClinVar aggregate classification (germline): Uncertain significance (1 of 4 stars; one submission).

Allele frequency attached by ClinVar (database versions not stated): gnomAD 0.00006; TOPMed 0.00011; 1000 Genomes Project 30x 0.00016; 1000 Genomes Project 0.00040.
gnomAD v4.1: 16 of 1,461,132 alleles (0.0011%); highest among the groups gnomAD compares: African/African-American, 0.015%; no homozygotes.

Submission:

Labcorp Genetics (formerly Invitae), Labcorp
Classification: Uncertain significance. Last evaluated: 2024-05-22. Review status: criteria provided, single submitter. Criteria: Invitae Variant Classification Sherloc (09022015). Collection method: clinical testing. Allele origin: germline.
Comment: This sequence change replaces alanine, which is neutral and non-polar, with serine, which is neutral and polar, at codon 101 of the MESP1 protein (p.Ala101Ser). The frequency data for this variant in the population databases is considered unreliable, as metrics indicate poor data quality at this position in the gnomAD database. This variant has not been reported in the literature in individuals affected with MESP1-related conditions. An algorithm developed to predict the effect of missense changes on protein structure and function (PolyPhen-2) suggests that this variant is likely to be disruptive. In summary, the available evidence is currently insufficient to determine the role of this variant in disease. Therefore, it has been classified as a Variant of Uncertain Significance.

NM_018670.4(MESP1):c.301G>T (p.Ala101Ser)

Genes: MESP1 (mesoderm posterior bHLH transcription factor 1; minus strand), LOC130057889 (ATAC-STARR-seq lymphoblastoid silent region 6804; plus strand). Cytogenetic location: 15q26.1.
Variant type: single nucleotide variant.
Coding change: c.301G>T on transcript NM_018670.4 (MANE Select); coding-DNA position 301, G replaced by T.
Protein change: p.Ala101Ser; replaces alanine 101 with serine.
Molecular consequence: missense variant.
Genome position (GRCh38, 1-based): chr15:89,750,931, C>A on the plus strand (G>T on the coding strand, the complement: MESP1 is on the minus strand). VCF-style: chr15-89750931-C-A. GRCh37 (hg19) VCF-style: chr15-90294162-C-A.
Other names: short protein forms A101S.
Identifiers: ClinVar variation 2882938 (VCV002882938.3), dbSNP rs537226260, ClinGen allele CA7730249.